The following is an entry in ClinVar:

NM_015311.3(OBSL1):c.4894G>A (p.Val1632Met)

Gene: OBSL1 (obscurin like cytoskeletal adaptor 1; minus strand). Cytogenetic location: 2q35.
Variant type: single nucleotide variant.
Coding change: c.4894G>A on transcript NM_015311.3 (MANE Select); coding-DNA position 4894, G replaced by A.
Protein change: p.Val1632Met; replaces valine 1632 with methionine.
Molecular consequence: missense variant.
Genome position (GRCh38, 1-based): chr2:219,553,669, C>T on the plus strand (G>A on the coding strand, the complement: OBSL1 is on the minus strand). VCF-style: chr2-219553669-C-T. GRCh37 (hg19) VCF-style: chr2-220418391-C-T.
Other names: c.4894G>A (NM_015311.2); short protein forms V1632M.
Identifiers: ClinVar variation 2184787 (VCV002184787.4), dbSNP rs540208891, ClinGen allele CA2130388.

ClinVar aggregate classification (germline): Uncertain significance. Review status: criteria provided, multiple submitters, no conflicts (2 of 4 stars). 2 submissions from 2 submitters: Uncertain significance (2). Last evaluated 2024-04-10.

Conditions:
Inborn genetic diseases. Identifiers: MedGen C0950123, MeSH D030342.

Allele frequency attached by ClinVar (database versions not stated): gnomAD 0.00011; 1000 Genomes Project 30x 0.00016; 1000 Genomes Project 0.00020.
gnomAD v4.1: 26 of 1,613,422 alleles (0.0016%); highest among the groups gnomAD compares: African/African-American, 0.024%; no homozygotes.

Submissions (2):

Labcorp Genetics (formerly Invitae), Labcorp
Classification: Uncertain significance. Last evaluated: 2024-04-10. Review status: criteria provided, single submitter. Criteria: Invitae Variant Classification Sherloc (09022015). Collection method: clinical testing. Allele origin: germline.
Comment: This sequence change replaces valine, which is neutral and non-polar, with methionine, which is neutral and non-polar, at codon 1632 of the OBSL1 protein (p.Val1632Met). This variant is present in population databases (rs540208891, gnomAD 0.03%). This variant has not been reported in the literature in individuals affected with OBSL1-related conditions. ClinVar contains an entry for this variant (Variation ID: 2184787). An algorithm developed to predict the effect of missense changes on protein structure and function (PolyPhen-2) suggests that this variant is likely to be tolerated. In summary, the available evidence is currently insufficient to determine the role of this variant in disease. Therefore, it has been classified as a Variant of Uncertain Significance.

Ambry Genetics
Classification: Uncertain significance for Inborn genetic diseases. Last evaluated: 2023-12-16. Review status: criteria provided, single submitter. Criteria: Ambry Variant Classification Scheme 2023. Collection method: clinical testing. Allele origin: germline.